The following is an entry in ClinVar:

ClinVar aggregate classification (germline): Uncertain significance (1 of 4 stars; one submission).

Conditions:
Pallister-Hall syndrome (PHS). Also called: HYPOTHALAMIC HAMARTOBLASTOMA, HYPOPITUITARISM, IMPERFORATE ANUS, AND POSTAXIAL POLYDACTYLY; GLI3-Related Pallister-Hall Syndrome. Identifiers: Orphanet 672, MedGen C0265220, MONDO:0007804, OMIM 146510.
Greig cephalopolysyndactyly syndrome (GCPS). Also called: POLYSYNDACTYLY WITH PECULIAR SKULL SHAPE; Greig syndrome; GLI3-Related Greig Cephalopolysyndactyly Syndrome. Identifiers: Orphanet 380, MedGen C0265306, MONDO:0008287, OMIM 175700.

Allele frequency attached by ClinVar (database versions not stated): gnomAD 0.00001.
gnomAD v4.1: 2 of 1,605,494 alleles (0.00012%); highest among the groups gnomAD compares: Admixed American, 0.0017%; no homozygotes.

Submission:

Labcorp Genetics (formerly Invitae), Labcorp
Classification: Uncertain significance for Pallister-Hall syndrome; Greig cephalopolysyndactyly syndrome. Last evaluated: 2023-11-16. Review status: criteria provided, single submitter. Criteria: Invitae Variant Classification Sherloc (09022015). Collection method: clinical testing. Allele origin: germline.
Comment: This sequence change replaces proline, which is neutral and non-polar, with leucine, which is neutral and non-polar, at codon 1183 of the GLI3 protein (p.Pro1183Leu). This variant is not present in population databases (gnomAD no frequency). This variant has not been reported in the literature in individuals affected with GLI3-related conditions. Advanced modeling of protein sequence and biophysical properties (such as structural, functional, and spatial information, amino acid conservation, physicochemical variation, residue mobility, and thermodynamic stability) performed at Invitae indicates that this missense variant is not expected to disrupt GLI3 protein function with a negative predictive value of 80%. In summary, the available evidence is currently insufficient to determine the role of this variant in disease. Therefore, it has been classified as a Variant of Uncertain Significance.

NM_000168.6(GLI3):c.3548C>T (p.Pro1183Leu)

Gene: GLI3 (GLI family zinc finger 3; minus strand). Cytogenetic location: 7p14.1.
Variant type: single nucleotide variant.
Coding change: c.3548C>T on transcript NM_000168.6 (MANE Select); coding-DNA position 3548, C replaced by T.
Protein change: p.Pro1183Leu; replaces proline 1183 with leucine.
Molecular consequence: missense variant.
Genome position (GRCh38, 1-based): chr7:41,965,525, G>A on the plus strand (C>T on the coding strand, the complement: GLI3 is on the minus strand). VCF-style: chr7-41965525-G-A. GRCh37 (hg19) VCF-style: chr7-42005123-G-A.
Other names: short protein forms P1183L.
Identifiers: ClinVar variation 2935461 (VCV002935461.3), dbSNP rs1787143477, ClinGen allele CA367317802.